The following is an entry in ClinVar:

ClinVar aggregate classification (germline): Benign/Likely benign. Review status: criteria provided, multiple submitters, no conflicts (2 of 4 stars). 3 submissions from 3 submitters: Benign (1); Likely benign (2). Last evaluated 2026-02-01.

Submissions (3):

Labcorp Genetics (formerly Invitae), Labcorp
Classification: Benign. Last evaluated: 2026-02-01. Review status: criteria provided, single submitter. Criteria: Invitae Variant Classification Sherloc (09022015). Collection method: clinical testing. Allele origin: germline.

Blueprint Genetics
Classification: Likely benign. Last evaluated: 2024-11-21. Review status: criteria provided, single submitter. Criteria: ACMG Guidelines, 2015. Collection method: clinical testing. Allele origin: germline.

CeGaT Center for Human Genetics Tuebingen
Classification: Likely benign. Last evaluated: 2024-02-01. Review status: criteria provided, single submitter. Criteria: CeGaT Center For Human Genetics Tuebingen Variant Classification Criteria Version 2. Collection method: clinical testing. Allele origin: germline. Affected: yes. Observed: 1 variant allele.
Comment: REPS1: BP4

NM_001286611.2(REPS1):c.2323-4del

Gene: REPS1 (RALBP1 associated Eps domain containing 1; minus strand). Cytogenetic location: 6q24.1.
Variant type: Deletion.
Coding change: c.2323-4del on transcript NM_001286611.2 (MANE Select); 4 bases into the intron before coding-DNA position 2323, one base deleted (T; older notation c.2323-4delT).
Molecular consequence: intron variant.
Genome position (GRCh38, 1-based): chr6:138,905,136, A deleted on the plus strand (T on the coding strand, the reverse complement: REPS1 is on the minus strand); the first of 5 consecutive A bases (chr6:138,905,136-138,905,140); deleting any one gives the same sequence. VCF-style (leftmost placement, unchanged base first): chr6-138905135-GA-G. GRCh37 (hg19) VCF-style: chr6-139226272-GA-G.
Other names: c.2050-4del (NM_001286612.2); c.2242-4del (NM_001128617.3); c.2320-4del (NM_031922.5).
Identifiers: ClinVar variation 1599842 (VCV001599842.31), dbSNP rs554661735, ClinGen allele CA4023870.
Genomic context (GRCh38, chr6:138,905,135, plus strand): 5'-AGAATGGTCGAAGTTGTTCCAGTTGAACTTCCAGGGAAATTCTCTCCTCAAGAACATCCT[GA>G]AAAAGATGCAAAGGCCAAGTTATGTTTCAAAGTATATAAAAATGAAGAAATATCTAACAA-3'